The following is an entry in ClinVar:

ClinVar aggregate classification (germline): Likely pathogenic (1 of 4 stars; one submission).

Conditions:
Dermatofibrosis lenticularis disseminata (BOS). Also called: OSTEOPATHIA CONDENSANS DISSEMINATA; DERMATOFIBROSIS LENTICULARIS DISSEMINATA WITH OSTEOPOIKILOSIS; DERMATOOSTEOPOIKILOSIS. Identifiers: Orphanet 1306, MedGen C0265514, MONDO:0008157, OMIM 166700.

Submission:

Variantyx, Inc.
Classification: Likely pathogenic for Dermatofibrosis lenticularis disseminata. Last evaluated: 2025-07-25. Review status: criteria provided, single submitter. Criteria: Variantyx Assertion Criteria 2022. Collection method: clinical testing. Allele origin: de novo. Inheritance: Autosomal dominant inheritance. Affected: yes.
Comment: This is a 10bp deletion in the LEMD3 gene (OMIM: 607844). Pathogenic variants in this gene have been associated with autosomal dominant Buschke-Ollendorff syndrome. The alteration affects a canonical splice sequence, however the effect of this variant on splicing cannot be predicted with certainty (PVS1_Moderate). Loss of function is a known disease mechanism for LEMD3 in this disorder (PMID: 15489854, 17087626). This variant is absent from control populations (PM2). Based on the current evidence, this variant is classified as likely pathogenic for autosomal dominant Buschke-Ollendorff syndrome.

Literature cited by the submitters: PubMed 15489854; PubMed 17087626.

NM_014319.5(LEMD3):c.2386_2387+8del

Gene: LEMD3 (LEM domain containing 3; plus strand). Cytogenetic location: 12q14.3.
Variant type: Deletion.
Coding change: c.2386_2387+8del on transcript NM_014319.5 (MANE Select); coding-DNA position 2386 through 8 bases into the intron after coding-DNA position 2387, 10 bases deleted (ATGTAAGTAT; older notation c.2386_2387+8delATGTAAGTAT).
Molecular consequence: splice donor variant.
Genome position (GRCh38, 1-based): chr12:65,243,468-65,243,477, ATGTAAGTAT deleted; deleting any 10 consecutive bases within chr12:65,243,467-65,243,477 gives the same sequence; the c. name uses the placement nearest the transcript's 3' end. VCF-style (leftmost placement, unchanged base first): chr12-65243466-TTATGTAAGTA-T. GRCh37 (hg19) VCF-style: chr12-65637246-TTATGTAAGTA-T.
Other names: c.2386_2387+8delATGTAAGTAT (NM_014319.5); c.2383_2384+8del (NM_001167614.2).
Identifiers: ClinVar variation 4850027 (VCV004850027.1).
Genomic context (GRCh38, chr12:65,243,466, plus strand): 5'-GAAATTCACCACCAAATAGTTTGACACCGTGTCTAAAGATTCGGAATATGTTTGATCCCG[TTATGTAAGTA>T]TTATGATCAGGGGTACATGTAACTCTTATTCTGAATATTTGGCTGGAAAATGCATGATAT-3'